The following is an entry in ClinVar:

ClinVar aggregate classification (germline): Uncertain significance (1 of 4 stars; one submission).

Submission:

Labcorp Genetics (formerly Invitae), Labcorp
Classification: Uncertain significance. Last evaluated: 2024-04-10. Review status: criteria provided, single submitter. Criteria: Invitae Variant Classification Sherloc (09022015). Collection method: clinical testing. Allele origin: germline.
Comment: This sequence change replaces proline, which is neutral and non-polar, with serine, which is neutral and polar, at codon 189 of the EXTL3 protein (p.Pro189Ser). This variant is not present in population databases (gnomAD no frequency). This variant has not been reported in the literature in individuals affected with EXTL3-related conditions. Advanced modeling of protein sequence and biophysical properties (such as structural, functional, and spatial information, amino acid conservation, physicochemical variation, residue mobility, and thermodynamic stability) performed at Invitae indicates that this missense variant is not expected to disrupt EXTL3 protein function with a negative predictive value of 80%. In summary, the available evidence is currently insufficient to determine the role of this variant in disease. Therefore, it has been classified as a Variant of Uncertain Significance.

NM_001440.4(EXTL3):c.565C>T (p.Pro189Ser)

Gene: EXTL3 (exostosin like glycosyltransferase 3; plus strand). Cytogenetic location: 8p21.1.
Variant type: single nucleotide variant.
Coding change: c.565C>T on transcript NM_001440.4 (MANE Select); coding-DNA position 565, C replaced by T.
Protein change: p.Pro189Ser; replaces proline 189 with serine.
Molecular consequence: missense variant.
Genome position (GRCh38, 1-based): chr8:28,716,624, C>T. VCF-style: chr8-28716624-C-T. GRCh37 (hg19) VCF-style: chr8-28574141-C-T.
Other names: short protein forms P189S.
Identifiers: ClinVar variation 2869509 (VCV002869509.3), dbSNP rs2130736964, ClinGen allele CA370856578.